The following is an entry in ClinVar:

ClinVar aggregate classification (germline): Uncertain significance. Review status: criteria provided, multiple submitters, no conflicts (2 of 4 stars). 2 submissions from 2 submitters: Uncertain significance (2). Last evaluated 2021-09-24.

Conditions:
Hyperphosphatasia with impaired intellectual development syndrome 2. Also called: GLYCOSYLPHOSPHATIDYLINOSITOL BIOSYNTHESIS DEFECT 6; Hyperphosphatasia with intellectual disability syndrome 2. Identifiers: Orphanet 247262, MedGen C3553637, MONDO:0013882, OMIM 614749.

Allele frequency attached by ClinVar (database versions not stated): TOPMed 0.00002; gnomAD exomes 0.00001.
gnomAD v4.1: 13 of 1,610,708 alleles (0.00081%); highest among the groups gnomAD compares: South Asian, 0.0022%; no homozygotes.

Submissions (2):

Labcorp Genetics (formerly Invitae), Labcorp
Classification: Uncertain significance for Hyperphosphatasia with impaired intellectual development syndrome 2. Last evaluated: 2021-09-24. Review status: criteria provided, single submitter. Criteria: Invitae Variant Classification Sherloc (09022015). Collection method: clinical testing. Allele origin: germline.
Comment: This sequence change replaces asparagine with serine at codon 162 of the PIGO protein (p.Asn162Ser). The asparagine residue is highly conserved and there is a small physicochemical difference between asparagine and serine. This variant is not present in population databases (ExAC no frequency). This variant has not been reported in the literature in individuals with PIGO-related conditions. Algorithms developed to predict the effect of missense changes on protein structure and function are either unavailable or do not agree on the potential impact of this missense change (SIFT: "Tolerated"; PolyPhen-2: "Probably Damaging"; Align-GVGD: "Class C0"). In summary, the available evidence is currently insufficient to determine the role of this variant in disease. Therefore, it has been classified as a Variant of Uncertain Significance.

GeneDx
Classification: Uncertain significance. Last evaluated: 2019-04-12. Review status: criteria provided, single submitter. Criteria: GeneDx Variant Classification Process June 2021. Collection method: clinical testing. Allele origin: germline. Affected: yes.
Comment: Not observed in large population cohorts (Lek et al., 2016); In silico analysis, which includes protein predictors and evolutionary conservation, supports a deleterious effect; Has not been previously published as pathogenic or benign to our knowledge

NM_032634.4(PIGO):c.485A>G (p.Asn162Ser)

Gene: PIGO (phosphatidylinositol glycan anchor biosynthesis class O; minus strand). Cytogenetic location: 9p13.3.
Variant type: single nucleotide variant.
Coding change: c.485A>G on transcript NM_032634.4 (MANE Select); coding-DNA position 485, A replaced by G.
Protein change: p.Asn162Ser; replaces asparagine 162 with serine.
Molecular consequence: missense variant.
Genome position (GRCh38, 1-based): chr9:35,095,081, T>C on the plus strand (A>G on the coding strand, the complement: PIGO is on the minus strand). VCF-style: chr9-35095081-T-C. GRCh37 (hg19) VCF-style: chr9-35095078-T-C.
Other names: c.485A>G, p.Asn162Ser (NM_001201484.2, NM_152850.4); short protein forms N162S.
Identifiers: ClinVar variation 1304922 (VCV001304922.6), dbSNP rs1480805750, ClinGen allele CA373324198.